The following is an entry in ClinVar:

ClinVar aggregate classification (germline): Uncertain significance (1 of 4 stars; one submission).

Conditions:
Renal carnitine transport defect (CDSP). Also called: Carnitine transporter deficiency; Carnitine Deficiency, Systemic; Systemic primary carnitine deficiency; CARNITINE DEFICIENCY, SYSTEMIC, DUE TO DEFECT IN RENAL REABSORPTION OF CARNITINE; CARNITINE TRANSPORTER, PLASMA-MEMBRANE, DEFICIENCY OF; CARNITINE UPTAKE DEFECT. Identifiers: Orphanet 158, MedGen C0342788, MONDO:0008919, OMIM 212140.

Submission:

Labcorp Genetics (formerly Invitae), Labcorp
Classification: Uncertain significance for Renal carnitine transport defect. Last evaluated: 2022-06-30. Review status: criteria provided, single submitter. Criteria: Invitae Variant Classification Sherloc (09022015). Collection method: clinical testing. Allele origin: germline.
Comment: This variant is not present in population databases (gnomAD no frequency). This sequence change replaces arginine, which is basic and polar, with glycine, which is neutral and non-polar, at codon 548 of the SLC22A5 protein (p.Arg548Gly). This variant has not been reported in the literature in individuals affected with SLC22A5-related conditions. Advanced modeling of protein sequence and biophysical properties (such as structural, functional, and spatial information, amino acid conservation, physicochemical variation, residue mobility, and thermodynamic stability) performed at Invitae indicates that this missense variant is not expected to disrupt SLC22A5 protein function. In summary, the available evidence is currently insufficient to determine the role of this variant in disease. Therefore, it has been classified as a Variant of Uncertain Significance.

NM_003060.4(SLC22A5):c.1642A>G (p.Arg548Gly)

Gene: SLC22A5 (solute carrier family 22 member 5; plus strand). Cytogenetic location: 5q31.1.
Variant type: single nucleotide variant.
Coding change: c.1642A>G on transcript NM_003060.4 (MANE Select); coding-DNA position 1642, A replaced by G.
Protein change: p.Arg548Gly; replaces arginine 548 with glycine.
Molecular consequence: missense variant.
Genome position (GRCh38, 1-based): chr5:132,394,240, A>G. VCF-style: chr5-132394240-A-G. GRCh37 (hg19) VCF-style: chr5-131729932-A-G.
Other names: c.1714A>G, p.Arg572Gly (NM_001308122.2); short protein forms R548G, R572G.
Identifiers: ClinVar variation 2012435 (VCV002012435.4), dbSNP rs2532142697, ClinGen allele CA360810323.